The following continues an entry in ClinVar:

NM_007194.4(CHEK2):c.1556G>T (p.Arg519Leu)

Gene: CHEK2. ClinVar aggregate classification (germline): Conflicting classifications of pathogenicity. Uncertain significance (21); Likely benign (6).

Submissions 9 to 28 of 33:

Center for Genomic Medicine, Rigshospitalet, Copenhagen University Hospital
Classification: Uncertain significance. Last evaluated: 2025-03-04. Review status: criteria provided, single submitter. Criteria: ACMG Guidelines, 2015. Collection method: clinical testing. Allele origin: germline.

Color Diagnostics, LLC DBA Color Health
Classification: Likely benign for Hereditary cancer-predisposing syndrome. Last evaluated: 2025-02-17. Review status: criteria provided, single submitter. Criteria: ACMG Guidelines, 2015. Collection method: clinical testing. Allele origin: germline.

Labcorp Genetics (formerly Invitae), Labcorp
Classification: Uncertain significance for Familial cancer of breast. Last evaluated: 2025-02-03. Review status: criteria provided, single submitter. Criteria: Invitae Variant Classification Sherloc (09022015). Collection method: clinical testing. Allele origin: germline.
Comment: This sequence change replaces arginine, which is basic and polar, with leucine, which is neutral and non-polar, at codon 519 of the CHEK2 protein (p.Arg519Leu). The frequency data for this variant in the population databases is considered unreliable, as metrics indicate poor data quality at this position in the gnomAD database. This missense change has been observed in individual(s) with breast and/or ovarian cancer (PMID: 29470806, 32658311). ClinVar contains an entry for this variant (Variation ID: 128066). An algorithm developed to predict the effect of missense changes on protein structure and function (PolyPhen-2) suggests that this variant¬†is likely to be tolerated. Experimental studies are conflicting or provide insufficient evidence to determine the effect of this variant on CHEK2 function (PMID: 30851065). RNA analysis performed to evaluate the impact of this missense change on mRNA splicing indicates it does not significantly alter splicing (internal data). In summary, the available evidence is currently insufficient to determine the role of this variant in disease. Therefore, it has been classified as a Variant of Uncertain Significance.

Blueprint Genetics
Classification: Uncertain significance. Last evaluated: 2024-10-16. Review status: criteria provided, single submitter. Criteria: ACMG Guidelines, 2015. Collection method: clinical testing. Allele origin: germline.

ARUP Laboratories, Molecular Genetics and Genomics, ARUP Laboratories
Classification: Uncertain significance. Last evaluated: 2024-10-02. Review status: criteria provided, single submitter. Criteria: ARUP Molecular Germline Variant Investigation Process 2024. Collection method: clinical testing. Allele origin: germline.
Comment: The CHEK2 c.1556G>T; p.Arg519Leu variant (rs587780180) is reported in the literature in individuals affected with breast and/or ovarian cancer, although it was not demonstrated to be disease-causing (Abdel-Razeq 2022, Akcay 2021, Dutil 2019, Singh 2018. Young 2016). This variant is found in the general population with an overall allele frequency of 0.02% (54/264,444 alleles) in the Genome Aggregation Database (v2.1.1). Computational analyses predict that this variant is neutral (REVEL: 0.065); however, a functional assay suggested the variant has intermediate activity compared to wildtype CHEK2 (Delimitsou 2019). Due to limited information, the clinical significance of this variant is uncertain at this time. References: Abdel-Razeq H et al. Rates of Variants of Uncertain Significance Among Patients With Breast Cancer Undergoing Genetic Testing: Regional Perspectives. Front Oncol. 2022 Mar 25;12:673094. PMID: 35402282. Akcay IM et al. Germline pathogenic variant spectrum in 25 cancer susceptibility genes in Turkish breast and colorectal cancer patients and elderly controls. Int J Cancer. 2021 Jan 15;148(2):285-295. PMID: 32658311. Delimitsou A et al. Functional characterization of CHEK2 variants in a Saccharomyces cerevisiae system. Hum Mutat. 2019 May;40(5):631-648. PMID: 30851065. Dutil J et al. Germline variants in cancer genes in high-risk non-BRCA patients from Puerto Rico. Sci Rep. 2019 Nov 28;9(1):17769. PMID: 31780696. Singh J et al. Screening of over 1000 Indian patients with breast and/or ovarian cancer with a multi-gene panel: prevalence of BRCA1/2 and non-BRCA mutations. Breast Cancer Res Treat. 2018 Jul;170(1):189-196. PMID: 29470806. Young EL et al. Multigene testing of moderate-risk genes: be mindful of the missense. J Med Genet. 2016 Jun;53(6):366-76. PMID: 26787654.

Fulgent Genetics
Classification: Uncertain significance for Familial prostate cancer; Bone osteosarcoma; CHEK2-related cancer predisposition. Last evaluated: 2024-05-13. Review status: criteria provided, single submitter. Criteria: ACMG Guidelines, 2015. Collection method: clinical testing. Allele origin: germline.

Ambry Genetics
Classification: Likely benign for Hereditary cancer-predisposing syndrome. Last evaluated: 2024-04-16. Review status: criteria provided, single submitter. Criteria: Ambry Variant Classification Scheme 2023. Collection method: clinical testing. Allele origin: germline.

Baylor Genetics
Classification: Uncertain significance for Familial cancer of breast. Last evaluated: 2024-03-19. Review status: criteria provided, single submitter. Criteria: ACMG Guidelines, 2015. Collection method: clinical testing. Allele origin: unknown.

Mendelics
Classification: Likely benign for Hereditary cancer. Last evaluated: 2024-01-23. Review status: criteria provided, single submitter. Criteria: ACMG Guidelines, 2015. Collection method: clinical testing. Allele origin: unknown.

Institute for Biomarker Research, Medical Diagnostic Laboratories, L.L.C.
Classification: Uncertain significance for Hereditary cancer-predisposing syndrome. Last evaluated: 2023-08-14. Review status: criteria provided, single submitter. Criteria: ACMG Guidelines, 2015. Collection method: clinical testing. Allele origin: germline.

KCCC/NGS Laboratory, Kuwait Cancer Control Center
Classification: Uncertain significance for Familial cancer of breast. Last evaluated: 2023-07-05. Review status: criteria provided, single submitter. Criteria: ACMG Guidelines, 2015. Collection method: clinical testing. Allele origin: unknown. Inheritance: Autosomal dominant inheritance. Affected: yes. Observed: 1 heterozygote.
Comment: This sequence change replaces arginine with leucine at codon 519 of the CHEK2 protein (p.Arg519Leu). The arginine residue is moderately conserved and there is a moderate physicochemical difference between arginine and leucine. This variant is present in population databases (rs587780180, ExAC 0.05%), and has an allele count higher than expected for a pathogenic variant (PMID: 28166811). This variant has been observed in an individual affected with breast and/or ovarian cancer (PMID: 29470806). ClinVar contains an entry for this variant (Variation ID: 128066) by multiple clinical diagnostic laboratories after 2014 classify this variant as uncertain significant variant .In addition, this alteration is predicted to be tolerated by in silico analysis. This variant has been reported to have conflicting or insufficient data to determine the effect on CHEK2 protein function (PMID: 30851065). In summary, the available evidence is currently insufficient to determine the role of this variant in disease. Therefore, it has been classified as a Variant of Uncertain Significance.

CHEO Genetics Diagnostic Laboratory, Children's Hospital of Eastern Ontario
Classification: Uncertain significance for Breast and/or ovarian cancer. Last evaluated: 2023-05-05. Review status: criteria provided, single submitter. Criteria: ACMG Guidelines, 2015. Collection method: clinical testing. Allele origin: germline.

Myriad Genetics, Inc.
Classification: Likely benign for Familial cancer of breast. Last evaluated: 2023-03-09. Review status: criteria provided, single submitter. Criteria: Myriad Autosomal Dominant, Autosomal Recessive and X-Linked Classification Criteria (2023). Collection method: clinical testing. Allele origin: unknown.
Comment: This variant is considered likely benign. This variant is strongly associated with less severe personal and family histories of cancer, typical for individuals without pathogenic variants in this gene [PMID: 25085752].

St. Jude Molecular Pathology, St. Jude Children's Research Hospital
Classification: Uncertain significance for Predisposition to cancer. Last evaluated: 2022-07-13. Review status: criteria provided, single submitter. Criteria: St. Jude Assertion Criteria 2020. Collection method: clinical testing. Allele origin: germline.
Comment: The CHEK2 c.1556G>T (p.Arg519Leu) missense change has a maximum subpopulation frequency of 0.046% in gnomAD v2.1.1. This variant has been reported in individuals with breast and/or ovarian cancer, colorectal cancer, and Lynch syndrome (PMID: 29470806, 29522266, 30303537, 31780696, 32283892, 32659967, 34130653, 35127508, 35402282). The in silico tool REVEL predicts a benign effect on protein function, and functional studies are inconclusive. This variant was characterized as semi-functional (intermediate) in a yeast-based assay evaluating DNA damage response (PMID: 30851065), whereas kinase activity and phosphorylation in a transfected cell line was comparable to the wild-type (PMID: 31780696). In summary, the evidence currently available is insufficient to determine the clinical significance of this variant. It has therefore been classified as of uncertain significance.

Institute for Clinical Genetics, University Hospital TU Dresden, University Hospital TU Dresden
Classification: Uncertain significance. Last evaluated: 2021-11-03. Review status: criteria provided, single submitter. Criteria: ACMG Guidelines, 2015. Collection method: clinical testing. Allele origin: germline.

Division of Medical Genetics, University of Washington
Classification: Uncertain significance for Familial cancer of breast. Last evaluated: 2019-04-01. Review status: criteria provided, single submitter. Criteria: ACMG Guidelines, 2015. Collection method: clinical testing. Allele origin: germline. Affected: yes. Study: CSER_CHARM.
Comment: To our knowledge, this sequence variant has not been previously reported in the literature. This variant has an allele frequency of 0.000026 in the Broad Institute ExAC Browser. Thus, it is unknown at this time whether this variant increases cancer risk.

GeneKor MSA
Classification: Uncertain significance for Hereditary cancer-predisposing syndrome. Last evaluated: 2018-08-01. Review status: criteria provided, single submitter. Criteria: ACMG Guidelines, 2015. Collection method: clinical testing. Allele origin: germline. Affected: yes.

Fulgent Genetics
Classification: Uncertain significance for Familial cancer of breast; Familial prostate cancer; Bone osteosarcoma; CHEK2-related cancer predisposition. Last evaluated: 2017-05-23. Review status: criteria provided, single submitter. Criteria: ACMG Guidelines, 2015. Collection method: clinical testing. Allele origin: unknown.

Genetic Services Laboratory, University of Chicago
Classification: Uncertain significance. Last evaluated: 2017-01-27. Review status: criteria provided, single submitter. Criteria: ACMG Guidelines, 2015. Collection method: clinical testing. Allele origin: germline. Affected: no.

Counsyl
Classification: Uncertain significance for Familial cancer of breast. Last evaluated: 2016-04-01. Review status: no assertion criteria provided. Collection method: clinical testing. Allele origin: unknown. Not counted in ClinVar's aggregate classification.